The following is an entry in ClinVar:

NM_000443.4(ABCB4):c.3206del (p.Gly1069fs)

Gene: ABCB4 (ATP binding cassette subfamily B member 4; minus strand). Cytogenetic location: 7q21.12.
Variant type: Deletion.
Coding change: c.3206del on transcript NM_000443.4 (MANE Select); coding-DNA position 3206, one base deleted (G; older notation c.3206delG).
Protein change: p.Gly1069fs; shifts the reading frame from glycine 1069.
Molecular consequence: frameshift variant.
Genome position (GRCh38, 1-based): chr7:87,408,110, C deleted on the plus strand (G on the coding strand, the reverse complement: ABCB4 is on the minus strand); the first of 3 consecutive C bases (chr7:87,408,110-87,408,112); deleting any one gives the same sequence. VCF-style (leftmost placement, unchanged base first): chr7-87408109-GC-G. GRCh37 (hg19) VCF-style: chr7-87037425-GC-G.
Other names: c.3206del, p.Gly1069fs (NM_018849.3); c.3065del, p.Gly1022fs (NM_018850.3); short protein forms G1069fs, G1022fs.
Identifiers: ClinVar variation 4995904 (VCV004995904.1).

ClinVar aggregate classification (germline): Likely pathogenic (1 of 4 stars; one submission).

Conditions:
ABCB4-related disorder. Also called: ABCB4-related disorders; ABCB4-related condition.

Submission:

PreventionGenetics, part of Exact Sciences
Classification: Likely pathogenic for ABCB4-related condition. Last evaluated: 2025-10-20. Review status: criteria provided, single submitter. Criteria: ACMG Guidelines, 2015. Collection method: clinical testing. Allele origin: germline.
Comment: The ABCB4 c.3206delG variant is predicted to result in a frameshift and premature protein termination (p.Gly1069Alafs*77). To our knowledge, this variant has not been reported in the literature or in a large population database (gnomAD), indicating this variant is rare. Frameshift variants in ABCB4 are expected to be pathogenic. This variant is interpreted as likely pathogenic.